The following is an entry in ClinVar:

NM_002609.4(PDGFRB):c.2631C>A (p.Asn877Lys)

Gene: PDGFRB (platelet derived growth factor receptor beta; minus strand). Cytogenetic location: 5q32.
Variant type: single nucleotide variant.
Coding change: c.2631C>A on transcript NM_002609.4 (MANE Select); coding-DNA position 2631, C replaced by A.
Protein change: p.Asn877Lys; replaces asparagine 877 with lysine.
Molecular consequence: missense variant.
Genome position (GRCh38, 1-based): chr5:150,120,079, G>T on the plus strand (C>A on the coding strand, the complement: PDGFRB is on the minus strand). VCF-style: chr5-150120079-G-T. GRCh37 (hg19) VCF-style: chr5-149499642-G-T.
Other names: c.2439C>A, p.Asn813Lys (NM_001355016.2); c.2148C>A, p.Asn716Lys (NM_001355017.2); c.2631C>A (NM_002609.3); short protein forms N716K, N813K, N877K.
Identifiers: ClinVar variation 3751751 (VCV003751751.4).

ClinVar aggregate classification (germline): Conflicting classifications of pathogenicity. Review status: criteria provided, conflicting classifications (1 of 4 stars). 3 submissions from 3 submitters: Uncertain significance (1); Likely benign (2). Last evaluated 2026-01-08.

Conditions:
Myofibromatosis, infantile, 1. Also called: Myofibromatosis, juvenile. Identifiers: Orphanet 2591, MedGen C4551572, MONDO:0009227, OMIM 228550.
Skeletal overgrowth-craniofacial dysmorphism-hyperelastic skin-white matter lesions syndrome. Also called: SKELETAL OVERGROWTH WITH FACIAL DYSMORPHISM, HYPERELASTIC SKIN, WHITE MATTER LESIONS, AND NEUROLOGIC DETERIORATION; Kosaki overgrowth syndrome. Identifiers: Orphanet 477831, MedGen C4225270, MONDO:0014704, OMIM 616592.
Infantile myofibromatosis (IMF). Also called: Congenital generalized fibromatosis. Identifiers: Orphanet 2591, MedGen C0432284, MONDO:0016824.
Basal ganglia calcification, idiopathic, 4 (PFBC4). Also called: Familial Idiopathic Basal Ganglia Calcification 4; PRIMARY FAMILIAL BRAIN CALCIFICATION 4, AUTOSOMAL DOMINANT. Identifiers: Orphanet 1980, MedGen C3554321, MONDO:0014004, OMIM 615007.
Acroosteolysis-keloid-like lesions-premature aging syndrome. Also called: Premature aging syndrome, Penttinen type; Prematurely aged appearance, delayed bone maturation, acro-osteolysis, and brachydactyly; Progeroid syndrome, Penttinen type. Identifiers: Orphanet 363665, MedGen C1866182, MONDO:0011150, OMIM 601812.
Inborn genetic diseases. Identifiers: MedGen C0950123, MeSH D030342.

gnomAD v4.1: 27 of 1,606,704 alleles (0.0017%); highest among the groups gnomAD compares: African/African-American, 0.024%; no homozygotes.

Submissions (3):

Clinical Genomics Laboratory, Washington University in St. Louis
Classification: Uncertain significance for Skeletal overgrowth-craniofacial dysmorphism-hyperelastic skin-white matter lesions syndrome; Myofibromatosis, infantile, 1. Last evaluated: 2026-01-08. Review status: criteria provided, single submitter. Criteria: ACMG Guidelines, 2015. Collection method: clinical testing. Allele origin: germline.
Comment: A PDGFRB c.2631C>A (p.Asn877Lys) variant was identified at a near heterozygous allelic fraction of 48.3%, a frequency which may be consistent with germline origin. This variant, to our knowledge, has not been reported in the medical literature but has been reported as a germline likely benign variant in the ClinVar database by two submitters (Variation ID: 3751751). It is observed in 27/1,606,704 alleles in the general population (gnomAD v4.1.0). Computational predictors are uncertain as to the impact of this variant on PDGFRB function. Due to limited information, and based on ACMG/AMP guidelines for variant interpretation (Richards S et al., PMID: 25741868), the clinical significance of this variant is uncertain at this time.

Ambry Genetics
Classification: Likely benign for Inborn genetic diseases. Last evaluated: 2025-06-18. Review status: criteria provided, single submitter. Criteria: Ambry Variant Classification Scheme 2023. Collection method: clinical testing. Allele origin: germline.

Labcorp Genetics (formerly Invitae), Labcorp
Classification: Likely benign for Basal ganglia calcification, idiopathic, 4; Skeletal overgrowth-craniofacial dysmorphism-hyperelastic skin-white matter lesions syndrome; Infantile myofibromatosis; Acroosteolysis-keloid-like lesions-premature aging syndrome. Last evaluated: 2024-02-04. Review status: criteria provided, single submitter. Criteria: Invitae Variant Classification Sherloc (09022015). Collection method: clinical testing. Allele origin: germline.

Literature cited by the submitters: uncertain (cited by Clinical Genomics Laboratory, Washington University in St. Louis).